The following is an entry in ClinVar:

NM_001128840.3(CACNA1D):c.718C>T (p.Arg240Cys)

Gene: CACNA1D (calcium voltage-gated channel subunit alpha1 D; plus strand). Cytogenetic location: 3p21.1.
Variant type: single nucleotide variant.
Coding change: c.718C>T on transcript NM_001128840.3 (MANE Select); coding-DNA position 718, C replaced by T.
Protein change: p.Arg240Cys; replaces arginine 240 with cysteine.
Molecular consequence: missense variant.
Genome position (GRCh38, 1-based): chr3:53,660,227, C>T. VCF-style: chr3-53660227-C-T. GRCh37 (hg19) VCF-style: chr3-53694254-C-T.
Other names: c.718C>T, p.Arg240Cys (NM_000720.4, NM_001128839.3); short protein forms R240C.
Identifiers: ClinVar variation 1901457 (VCV001901457.5), dbSNP rs2472957162, ClinGen allele CA353382630.

ClinVar aggregate classification (germline): Uncertain significance (1 of 4 stars; one submission).

Submission:

Labcorp Genetics (formerly Invitae), Labcorp
Classification: Uncertain significance. Last evaluated: 2022-02-11. Review status: criteria provided, single submitter. Criteria: Invitae Variant Classification Sherloc (09022015). Collection method: clinical testing. Allele origin: germline.
Comment: This sequence change replaces arginine, which is basic and polar, with cysteine, which is neutral and slightly polar, at codon 240 of the CACNA1D protein (p.Arg240Cys). This variant is not present in population databases (gnomAD no frequency). This variant has not been reported in the literature in individuals affected with CACNA1D-related conditions. Algorithms developed to predict the effect of missense changes on protein structure and function (SIFT, PolyPhen-2, Align-GVGD) all suggest that this variant is likely to be disruptive. In summary, the available evidence is currently insufficient to determine the role of this variant in disease. Therefore, it has been classified as a Variant of Uncertain Significance.